The following is an entry in ClinVar:

ClinVar aggregate classification (germline): Benign/Likely benign. Review status: criteria provided, multiple submitters, no conflicts (2 of 4 stars). 2 submissions from 2 submitters: Benign (1); Likely benign (1). Last evaluated 2024-05-24.

Conditions:
Familial cancer of breast. Also called: hereditary breast carcinoma; BREAST CANCER, FAMILIAL; Hereditary breast cancer. Identifiers: Orphanet 227535, MedGen C0346153, MONDO:0016419, OMIM 114480. Disease mechanism: loss of function.
Ataxia-telangiectasia syndrome (AT). Also called: ATAXIA-TELANGIECTASIA, COMPLEMENTATION GROUP A; ATAXIA-TELANGIECTASIA, FRESNO VARIANT; Ataxia-telangiectasia; Ataxia-telangiectasia, complementation group D; AT, COMPLEMENTATION GROUP C; Ataxia-telangiectasia, complementation group E. Identifiers: Orphanet 100, MedGen C0004135, MONDO:0008840, OMIM 208900.

Submissions (2):

Myriad Genetics, Inc.
Classification: Benign for Familial cancer of breast. Last evaluated: 2024-05-24. Review status: criteria provided, single submitter. Criteria: Myriad Autosomal Dominant, Autosomal Recessive and X-Linked Classification Criteria (2023). Collection method: clinical testing. Allele origin: unknown.
Comment: This variant is considered benign. This variant is a silent/synonymous amino acid change and it is not expected to impact splicing.

Labcorp Genetics (formerly Invitae), Labcorp
Classification: Likely benign for Ataxia-telangiectasia syndrome. Last evaluated: 2024-04-22. Review status: criteria provided, single submitter. Criteria: Invitae Variant Classification Sherloc (09022015). Collection method: clinical testing. Allele origin: germline.

NM_000051.4(ATM):c.5691C>T (p.Phe1897=)

Gene: ATM (ATM serine/threonine kinase; plus strand). Cytogenetic location: 11q22.3.
Variant type: single nucleotide variant.
Coding change: c.5691C>T on transcript NM_000051.4 (MANE Select); coding-DNA position 5691, C replaced by T.
Protein change: p.Phe1897=; no amino-acid change (phenylalanine 1897 retained).
Molecular consequence: synonymous variant.
Genome position (GRCh38, 1-based): chr11:108,307,913, C>T. VCF-style: chr11-108307913-C-T. GRCh37 (hg19) VCF-style: chr11-108178640-C-T.
Other names: c.5691C>T, p.Phe1897= (NM_001351834.2).
Identifiers: ClinVar variation 524431 (VCV000524431.11), dbSNP rs1555109057, ClinGen allele CA476675220.